The following is an entry in ClinVar:

NM_001849.4(COL6A2):c.1333-243C>T

Gene: COL6A2 (collagen type VI alpha 2 chain; plus strand). Cytogenetic location: 21q22.3.
Variant type: single nucleotide variant.
Coding change: c.1333-243C>T on transcript NM_001849.4 (MANE Select); 243 bases into the intron before coding-DNA position 1333, C replaced by T.
Molecular consequence: intron variant.
Genome position (GRCh38, 1-based): chr21:46,120,272, C>T. VCF-style: chr21-46120272-C-T. GRCh37 (hg19) VCF-style: chr21-47540186-C-T.
Other names: c.1333-243C>T (NM_058175.3, NM_058174.3).
Identifiers: ClinVar variation 679215 (VCV000679215.1), dbSNP rs2330397, ClinGen allele CA14875499.

ClinVar aggregate classification (germline): Benign (1 of 4 stars; one submission).

Allele frequency attached by ClinVar (database versions not stated): 1000 Genomes Project 30x 0.38710; 1000 Genomes Project 0.39177; TOPMed 0.44039; gnomAD 0.44946 and 0.45093.

Submission:

GeneDx
Classification: Benign. Last evaluated: 2018-06-14. Review status: criteria provided, single submitter. Criteria: GeneDx Variant Classification (06012015). Collection method: clinical testing. Allele origin: germline. Affected: yes.
Comment: This variant is considered likely benign or benign based on one or more of the following criteria: it is a conservative change, it occurs at a poorly conserved position in the protein, it is predicted to be benign by multiple in silico algorithms, and/or has population frequency not consistent with disease.